The following is an entry in ClinVar:

NM_182961.4(SYNE1):c.2573_2574insTAACGTTAGCTTGTCAAGAAAGTTAGCTTTCAAGAAACTTAAA (p.Leu859fs)

Gene: SYNE1 (spectrin repeat containing nuclear envelope protein 1; minus strand). Cytogenetic location: 6q25.2.
Variant type: Insertion.
Coding change: c.2573_2574insTAACGTTAGCTTGTCAAGAAAGTTAGCTTTCAAGAAACTTAAA on transcript NM_182961.4 (MANE Select); coding-DNA positions 2573 to 2574, TAACGTTAGCTTGTCAAGAAAGTTAGCTTTCAAGAAACTTAAA inserted.
Protein change: p.Leu859fs; shifts the reading frame from leucine 859.
Molecular consequence: frameshift variant.
Genome position: GRCh38: chr6:152,456,039-152,456,040. GRCh37 (hg19): chr6:152,777,174-152,777,175.
Other names: c.2594_2595insTAACGTTAGCTTGTCAAGAAAGTTAGCTTTCAAGAAACTTAAA, p.Leu866fs (NM_033071.5); short protein forms L859fs, L866fs.
Identifiers: ClinVar variation 4790874 (VCV004790874.1).
Genomic context (GRCh38, chr6:152,456,039, plus strand): 5'-ACTTTGACTGCCTTTCTCAATAAGTGTCAAGGTTTTCTTACAGTTTTCTTGACAAGCTAA[C>CTTTAAGTTTCTTGAAAGCTAACTTTCTTGACAAGCTAACGTTA]AGTTCCTATAACGAAATGAAACCCCACAACAATGTTATTTACAAGACAGAGTGAGAGAGA-3'

ClinVar aggregate classification (germline): Pathogenic (1 of 4 stars; one submission).

Conditions:
Autosomal recessive ataxia, Beauce type. Also called: SYNE1-Related Autosomal Recessive Cerebellar Ataxia; Spinocerebellar ataxia, autosomal recessive 8; ATAXIA, RECESSIVE, OF BEAUCE; SYNE1 Deficiency. Identifiers: Orphanet 88644, MedGen C1853116, MONDO:0012549, OMIM 610743.
Emery-Dreifuss muscular dystrophy 4, autosomal dominant (EDMD4). Also called: EMERY-DREIFUSS MUSCULAR DYSTROPHY 4 WITH VARIABLE FEATURES. Identifiers: Orphanet 261, MedGen C2751807, MONDO:0013071, OMIM 612998.

Submission:

Labcorp Genetics (formerly Invitae), Labcorp
Classification: Pathogenic for Emery-Dreifuss muscular dystrophy 4, autosomal dominant; Autosomal recessive ataxia, Beauce type. Last evaluated: 2025-03-16. Review status: criteria provided, single submitter. Criteria: Invitae Variant Classification Sherloc (09022015). Collection method: clinical testing. Allele origin: germline.
Comment: This sequence change creates a premature translational stop signal (p.Leu866Asnfs*22) in the SYNE1 gene. It is expected to result in an absent or disrupted protein product. Loss-of-function variants in SYNE1 are known to be pathogenic (PMID: 19542096, 24319099, 27086870). This variant is not present in population databases (gnomAD no frequency). This variant has not been reported in the literature in individuals affected with SYNE1-related conditions. For these reasons, this variant has been classified as Pathogenic.

Literature cited by the submitters: PubMed 19542096; PubMed 24319099; PubMed 27086870.